The following is an entry in ClinVar:

NM_139315.3(TAF6):c.2004del (p.Asn669fs)

Genes: TAF6 (TATA-box binding protein associated factor 6; minus strand), AP4M1 (adaptor related protein complex 4 subunit mu 1; plus strand). Cytogenetic location: 7q22.1.
Variant type: Deletion.
Coding change: c.2004del on transcript NM_139315.3 (MANE Select); coding-DNA position 2004, one base deleted (C; older notation c.2004delC).
Protein change: p.Asn669fs; shifts the reading frame from asparagine 669.
Molecular consequence: frameshift variant. On other transcripts: non-coding transcript variant (2), 3 prime UTR variant (11).
Genome position (GRCh38, 1-based): chr7:100,107,276, G deleted on the plus strand (C on the coding strand, the reverse complement: TAF6 is on the minus strand); the first of 3 consecutive G bases (chr7:100,107,276-100,107,278); deleting any one gives the same sequence. VCF-style (leftmost placement, unchanged base first): chr7-100107275-TG-T. GRCh37 (hg19) VCF-style: chr7-99704898-TG-T.
Other names: c.2115del, p.Asn706fs (NM_001190415.2); c.2004del, p.Asn669fs (NM_001364998.1, NM_001364999.1, NM_005641.4); c.1974del, p.Asn659fs (NM_001365000.1, NM_001365001.1, NM_001365002.1 and 1 more transcripts); c.2142del, p.Asn715fs (NM_001365004.1); c.*396del (NM_001363671.2, NM_001438824.1, NM_001438825.1 and 8 more transcripts); short protein forms N669fs, N706fs, N659fs, N715fs.
Identifiers: ClinVar variation 4741424 (VCV004741424.1).

ClinVar aggregate classification (germline): Uncertain significance (1 of 4 stars; one submission).

Submission:

Labcorp Genetics (formerly Invitae), Labcorp
Classification: Uncertain significance. Last evaluated: 2025-05-15. Review status: criteria provided, single submitter. Criteria: Invitae Variant Classification Sherloc (09022015). Collection method: clinical testing. Allele origin: germline.
Comment: This sequence change is expected to alter the c-terminus of the TAF6 protein (p.Asn669Thrfs*36). While this is not anticipated to result in nonsense mediated decay, it is expected to disrupt the last 9 amino acid(s) of the TAF6 protein and extend the protein by 26 additional amino acid residues. This variant is not present in population databases (gnomAD no frequency). This variant has not been reported in the literature in individuals affected with TAF6-related conditions. In summary, the available evidence is currently insufficient to determine the role of this variant in disease. Therefore, it has been classified as a Variant of Uncertain Significance.